The following is an entry in ClinVar:

NM_031471.6(FERMT3):c.731G>A (p.Gly244Glu)

Gene: FERMT3 (FERM domain containing kindlin 3; plus strand). Cytogenetic location: 11q13.1.
Variant type: single nucleotide variant.
Coding change: c.731G>A on transcript NM_031471.6 (MANE Select); coding-DNA position 731, G replaced by A.
Protein change: p.Gly244Glu; replaces glycine 244 with glutamic acid.
Molecular consequence: missense variant.
Genome position (GRCh38, 1-based): chr11:64,211,692, G>A. VCF-style: chr11-64211692-G-A. GRCh37 (hg19) VCF-style: chr11-63979164-G-A.
Other names: c.731G>A, p.Gly244Glu (NM_001382361.1, NM_001382362.1, NM_001382448.1 and 1 more transcripts); c.191G>A, p.Gly64Glu (NM_001382363.1, NM_001382364.1); short protein forms G244E, G64E.
Identifiers: ClinVar variation 845195 (VCV000845195.9), dbSNP rs776202905, ClinGen allele CA6068876.

ClinVar aggregate classification (germline): Uncertain significance. Review status: criteria provided, multiple submitters, no conflicts (2 of 4 stars). 4 submissions from 4 submitters: Uncertain significance (4). Last evaluated 2022-09-07.

Conditions:
Inborn genetic diseases. Identifiers: MedGen C0950123, MeSH D030342.
Leukocyte adhesion deficiency 3. Also called: INTEGRIN ACTIVATION DEFICIENCY DISEASE; LEUKOCYTE ADHESION DEFICIENCY 1 VARIANT; Leukocyte adhesion deficiency, type III. Identifiers: Orphanet 2968, Orphanet 99844, MedGen C2748536, MONDO:0013016, OMIM 612840.

Allele frequency attached by ClinVar (database versions not stated): gnomAD 0.00002 and 0.00003; gnomAD exomes below 0.00001 and 0.00001; ExAC 0.00001; TOPMed 0.00001.
gnomAD v4.1: 19 of 1,614,176 alleles (0.0012%); highest among the groups gnomAD compares: Middle Eastern, 0.066%; no homozygotes.

Submissions (4):

Labcorp Genetics (formerly Invitae), Labcorp
Classification: Uncertain significance for Leukocyte adhesion deficiency 3. Last evaluated: 2022-09-07. Review status: criteria provided, single submitter. Criteria: Invitae Variant Classification Sherloc (09022015). Collection method: clinical testing. Allele origin: germline.
Comment: This sequence change replaces glycine, which is neutral and non-polar, with glutamic acid, which is acidic and polar, at codon 244 of the FERMT3 protein (p.Gly244Glu). This variant is present in population databases (rs776202905, gnomAD 0.003%). This variant has not been reported in the literature in individuals affected with FERMT3-related conditions. ClinVar contains an entry for this variant (Variation ID: 845195). Algorithms developed to predict the effect of missense changes on protein structure and function (SIFT, PolyPhen-2, Align-GVGD) all suggest that this variant is likely to be tolerated. In summary, the available evidence is currently insufficient to determine the role of this variant in disease. Therefore, it has been classified as a Variant of Uncertain Significance.

Ambry Genetics
Classification: Uncertain significance for Inborn genetic diseases. Last evaluated: 2021-09-27. Review status: criteria provided, single submitter. Criteria: Ambry Variant Classification Scheme 2023. Collection method: clinical testing. Allele origin: germline.

Center for Genomics, Ann and Robert H. Lurie Children's Hospital of Chicago
Classification: Uncertain significance for Leukocyte adhesion deficiency 3. Last evaluated: 2021-07-19. Review status: criteria provided, single submitter. Criteria: ACMG Guidelines, 2015. Collection method: clinical testing. Allele origin: germline.
Comment: FERMT3 NM_031471.5 exon 6 p.Gly244Glu (c.731G>A):This variant has not been reported in the literature but is present in 0.002% (1/41432) of African alleles in the Genome Aggregation Database. This variant is present in ClinVar (Variation ID:845195). Evolutionary conservation and computational predictive tools suggest that this variant may not impact the protein. In summary, data on this variant is insufficient for disease classification. Therefore, the clinical significance of this variant is uncertain.

Breakthrough Genomics
Classification: Uncertain significance. Review status: criteria provided, single submitter. Criteria: ACMG Guidelines, 2015. Collection method: not provided. Allele origin: germline. Inheritance: Autosomal recessive inheritance. Affected: yes.